The following is an entry in ClinVar:

NM_000212.3(ITGB3):c.1595G>A (p.Cys532Tyr)

Gene: ITGB3 (integrin subunit beta 3; plus strand). Cytogenetic location: 17q21.32.
Variant type: single nucleotide variant.
Coding change: c.1595G>A on transcript NM_000212.3 (MANE Select); coding-DNA position 1595, G replaced by A.
Protein change: p.Cys532Tyr; replaces cysteine 532 with tyrosine.
Molecular consequence: missense variant.
Genome position (GRCh38, 1-based): chr17:47,292,473, G>A. VCF-style: chr17-47292473-G-A. GRCh37 (hg19) VCF-style: chr17-45369839-G-A.
Other names: short protein forms C532Y.
Identifiers: ClinVar variation 953007 (VCV000953007.5), dbSNP rs2065130922, ClinGen allele CA400029958.
Genomic context (GRCh38, chr17:47,292,473, plus strand): 5'-GCAGCCCCCGGGAGGGTCAGCCCGTCTGCAGCCAGCGGGGCGAGTGCCTCTGTGGTCAAT[G>A]TGTCTGCCACAGCAGTGACTTTGGCAAGATCACGGGCAAGTACTGCGAGTGTGACGACTT-3'
Protein context (NP_000203.2, residues 522-542): SQRGECLCGQ[Cys532Tyr]VCHSSDFGKI

ClinVar aggregate classification (germline): Likely pathogenic (3 of 4 stars; one submission).

Conditions:
Glanzmann thrombasthenia. Also called: BLEEDING DISORDER, PLATELET-TYPE, 2; THROMBASTHENIA OF GLANZMANN AND NAEGELI; PLATELET GLYCOPROTEIN IIb-IIIa DEFICIENCY; Glanzmann's thrombasthenia; Thrombasthenia. Identifiers: Orphanet 849, MedGen C0040015, MONDO:0100326.

Submission:

ClinGen Platelet Disorders Variant Curation Expert Panel, ClinGen
Classification: Likely pathogenic for Glanzmann thrombasthenia. Last evaluated: 2023-09-21. Review status: reviewed by expert panel. Criteria: ClinGen Platelet ACMG Specifications v2-1. Collection method: curation. Allele origin: germline. Inheritance: Autosomal recessive inheritance.
Comment: The NM_000212.3(ITGB3):c.1595G>A (p.Cys532Tyr) variant has been reported, in the homozygous state (PM3_supporting) due to consanguinity, in at least one proband (PMID: 12353082), exhibiting mucocutaneous bleeding, absence of platelet aggregation with ADP or collagen but a present ristocetin response, and nearly absent surface alphaIIb-beta3 by flow cytometry (PP4_moderate). It is absent from gnomADv2.1.1 (PM2_supporting), and a deleterious effect is predicted (REVEL 0.972; PP3). Likely pathogenic variant Cys532Arg has previously been seen at this residue (PM5_supporting). In summary, this variant meets the criteria to be classified as Likely Pathogenic for autosomal recessive Glanzmann Thrombasthenia based on the ACMG/AMP criteria applied, as specified by the ClinGen PD VCEP: PP4_moderate, PM2_supporting, PM3_supporting, PP3, PM5_supporting (VCEP specifications version 2).

Literature cited by the submitters: PubMed 12353082.